The following is an entry in ClinVar:

NM_000702.4(ATP1A2):c.1963A>G (p.Arg655Gly)

Gene: ATP1A2 (ATPase Na+/K+ transporting subunit alpha 2; plus strand). Cytogenetic location: 1q23.2.
Variant type: single nucleotide variant.
Coding change: c.1963A>G on transcript NM_000702.4 (MANE Select); coding-DNA position 1963, A replaced by G.
Protein change: p.Arg655Gly; replaces arginine 655 with glycine.
Molecular consequence: missense variant.
Genome position (GRCh38, 1-based): chr1:160,134,619, A>G. VCF-style: chr1-160134619-A-G. GRCh37 (hg19) VCF-style: chr1-160104409-A-G.
Other names: short protein forms R655G.
Identifiers: ClinVar variation 2227830 (VCV002227830.5), dbSNP rs2524884507, ClinGen allele CA343247445.

ClinVar aggregate classification (germline): Uncertain significance. Review status: criteria provided, multiple submitters, no conflicts (2 of 4 stars). 2 submissions from 2 submitters: Uncertain significance (2). Last evaluated 2023-08-27.

Conditions:
Inborn genetic diseases. Identifiers: MedGen C0950123, MeSH D030342.
Familial hemiplegic migraine. Identifiers: MedGen C0338484, MONDO:0000700.

Allele frequency attached by ClinVar (database versions not stated): gnomAD exomes below 0.00001.
gnomAD v4.1: 4 of 1,614,214 alleles (0.00025%); highest among the groups gnomAD compares: Non-Finnish European, 0.00034%; no homozygotes.

Submissions (2):

Labcorp Genetics (formerly Invitae), Labcorp
Classification: Uncertain significance for Familial hemiplegic migraine. Last evaluated: 2023-08-27. Review status: criteria provided, single submitter. Criteria: Invitae Variant Classification Sherloc (09022015). Collection method: clinical testing. Allele origin: germline.
Comment: In summary, the available evidence is currently insufficient to determine the role of this variant in disease. Therefore, it has been classified as a Variant of Uncertain Significance. An algorithm developed to predict the effect of missense changes on protein structure and function (PolyPhen-2) suggests that this variant is likely to be tolerated. ClinVar contains an entry for this variant (Variation ID: 2227830). This variant has not been reported in the literature in individuals affected with ATP1A2-related conditions. This variant is not present in population databases (gnomAD no frequency). This sequence change replaces arginine, which is basic and polar, with glycine, which is neutral and non-polar, at codon 655 of the ATP1A2 protein (p.Arg655Gly).

Ambry Genetics
Classification: Uncertain significance for Inborn genetic diseases. Last evaluated: 2020-10-30. Review status: criteria provided, single submitter. Criteria: Ambry Variant Classification Scheme 2023. Collection method: clinical testing. Allele origin: germline.
Comment: The c.1963A>G (p.R655G) alteration is located in exon 14 (coding exon 14) of the ATP1A2 gene. This alteration results from a A to G substitution at nucleotide position 1963, causing the arginine (R) at amino acid position 655 to be replaced by a glycine (G). Based on data from the Genome Aggregation Database (gnomAD), the ATP1A2 c.1963A>G alteration was not observed, with coverage at this position. The in silico prediction for the p.R655G alteration is inconclusive. Based on insufficient or conflicting evidence, the clinical significance of this alteration remains unclear.